The following is an entry in ClinVar:

ClinVar aggregate classification (germline): Benign/Likely benign. Review status: criteria provided, multiple submitters, no conflicts (2 of 4 stars). 6 submissions from 6 submitters: Benign (1); Likely benign (5). Last evaluated 2026-07-01.

Conditions:
Von Hippel-Lindau syndrome (VHLS). Also called: VHL syndrome; von Hippel–Lindau syndrome; Von Hippel-Lindau. Identifiers: Orphanet 892, MedGen C0019562, MONDO:0008667, OMIM 193300. Disease mechanism: loss of function.
Chuvash polycythemia. Also called: POLYCYTHEMIA, VHL-DEPENDENT. Identifiers: Orphanet 238557, MedGen C1837915, MONDO:0009892, OMIM 263400.
Hereditary cancer-predisposing syndrome. Also called: Hereditary neoplastic syndrome; Tumor predisposition; Neoplastic Syndromes, Hereditary; Hereditary Cancer Syndrome. Identifiers: Orphanet 140162, MedGen C0027672, MeSH D009386, MONDO:0015356.

Allele frequency attached by ClinVar (database versions not stated): gnomAD exomes below 0.00001; TOPMed below 0.00001.
gnomAD v4.1: 2 of 1,539,674 alleles (0.00013%); highest among the groups gnomAD compares: Non-Finnish European, 0.000088%; no homozygotes.

Submissions (6):

CeGaT Center for Human Genetics Tuebingen
Classification: Likely benign. Last evaluated: 2026-07-01. Review status: criteria provided, single submitter. Criteria: CeGaT Center For Human Genetics Tuebingen Variant Classification Criteria Version 2. Collection method: clinical testing. Allele origin: germline. Affected: yes. Observed: 1 variant allele.
Comment: VHL: BP4, BP7

Color Diagnostics, LLC DBA Color Health
Classification: Likely benign for Von Hippel-Lindau syndrome. Last evaluated: 2025-09-29. Review status: criteria provided, single submitter. Criteria: ACMG Guidelines, 2015. Collection method: clinical testing. Allele origin: germline.

Myriad Genetics, Inc.
Classification: Benign for Von Hippel-Lindau syndrome. Last evaluated: 2025-06-10. Review status: criteria provided, single submitter. Criteria: Myriad Autosomal Dominant, Autosomal Recessive and X-Linked Classification Criteria (2023). Collection method: clinical testing. Allele origin: unknown.
Comment: This variant is considered benign. This variant is a silent/synonymous amino acid change and it is not expected to impact splicing.

Labcorp Genetics (formerly Invitae), Labcorp
Classification: Likely benign for Von Hippel-Lindau syndrome; Chuvash polycythemia. Last evaluated: 2025-05-23. Review status: criteria provided, single submitter. Criteria: Invitae Variant Classification Sherloc (09022015). Collection method: clinical testing. Allele origin: germline.

Ambry Genetics
Classification: Likely benign for Hereditary cancer-predisposing syndrome. Last evaluated: 2019-12-31. Review status: criteria provided, single submitter. Criteria: Ambry Variant Classification Scheme 2023. Collection method: clinical testing. Allele origin: germline.

GeneDx
Classification: Likely benign. Last evaluated: 2018-05-11. Review status: criteria provided, single submitter. Criteria: GeneDx Variant Classification (06012015). Collection method: clinical testing. Allele origin: germline. Affected: yes.
Comment: This variant is considered likely benign or benign based on one or more of the following criteria: it is a conservative change, it occurs at a poorly conserved position in the protein, it is predicted to be benign by multiple in silico algorithms, and/or has population frequency not consistent with disease.

NM_000551.4(VHL):c.87C>T (p.Gly29=)

Gene: VHL (von Hippel-Lindau tumor suppressor; plus strand). Cytogenetic location: 3p25.3.
Variant type: single nucleotide variant.
Coding change: c.87C>T on transcript NM_000551.4 (MANE Select); coding-DNA position 87, C replaced by T.
Protein change: p.Gly29=; no amino-acid change (glycine 29 retained).
Molecular consequence: synonymous variant.
Genome position (GRCh38, 1-based): chr3:10,141,934, C>T. VCF-style: chr3-10141934-C-T. GRCh37 (hg19) VCF-style: chr3-10183618-C-T.
Other names: c.87C>T, p.Gly29= (NM_001354723.2, NM_198156.3).
Identifiers: ClinVar variation 456597 (VCV000456597.13), dbSNP rs987301475, ClinGen allele CA70042244.